The following is an entry in ClinVar:

NM_024577.4(SH3TC2):c.3847G>C (p.Gly1283Arg)

Gene: SH3TC2 (SH3 domain and tetratricopeptide repeats 2; minus strand). Cytogenetic location: 5q32.
Variant type: single nucleotide variant.
Coding change: c.3847G>C on transcript NM_024577.4 (MANE Select); coding-DNA position 3847, G replaced by C.
Protein change: p.Gly1283Arg; replaces glycine 1283 with arginine.
Molecular consequence: missense variant.
Genome position (GRCh38, 1-based): chr5:149,004,731, C>G on the plus strand (G>C on the coding strand, the complement: SH3TC2 is on the minus strand). VCF-style: chr5-149004731-C-G. GRCh37 (hg19) VCF-style: chr5-148384294-C-G.
Other names: short protein forms G1283R.
Identifiers: ClinVar variation 219799 (VCV000219799.5), dbSNP rs370844006, ClinGen allele CA348251.

ClinVar aggregate classification (germline): Uncertain significance. Review status: criteria provided, multiple submitters, no conflicts (2 of 4 stars). 2 submissions from 2 submitters: Uncertain significance (2). Last evaluated 2024-03-08.

Conditions:
Charcot-Marie-Tooth disease type 4. Also called: Charcot-Marie-Tooth disease, type IV; Charcot-Marie-Tooth, Type 4. Identifiers: Orphanet 64749, MedGen C4082197, MONDO:0018995.

Allele frequency attached by ClinVar (database versions not stated): gnomAD 0.00006.
gnomAD v4.1: 8 of 1,613,410 alleles (0.0005%); highest among the groups gnomAD compares: African/African-American, 0.011%; no homozygotes.

Submissions (2):

ARUP Laboratories, Molecular Genetics and Genomics, ARUP Laboratories
Classification: Uncertain significance. Last evaluated: 2024-03-08. Review status: criteria provided, single submitter. Criteria: ARUP Molecular Germline Variant Investigation Process 2024. Collection method: clinical testing. Allele origin: germline.
Comment: The SH3TC2 c.3847G>C; p.Gly1283Arg variant (rs370844006), to our knowledge, is not reported in the medical literature but is reported in ClinVar (Variation ID: 219799). This variant is only observed on two alleles in the Genome Aggregation Database (v2.1.1), indicating it is not a common polymorphism. Computational analyses predict that this variant is neutral (REVEL: 0.12). Due to limited information, the clinical significance of this variant is uncertain at this time.

Labcorp Genetics (formerly Invitae), Labcorp
Classification: Uncertain significance for Charcot-Marie-Tooth disease type 4. Last evaluated: 2021-08-31. Review status: criteria provided, single submitter. Criteria: Invitae Variant Classification Sherloc (09022015). Collection method: clinical testing. Allele origin: germline.